The following is an entry in ClinVar:

ClinVar aggregate classification (germline): Likely pathogenic (1 of 4 stars; one submission).

Submission:

GeneDx
Classification: Likely pathogenic. Last evaluated: 2017-05-11. Review status: criteria provided, single submitter. Criteria: GeneDx Variant Classification (06012015). Collection method: clinical testing. Allele origin: germline. Affected: yes.
Comment: The c.1593_1622del30insA variant in the GNE gene has not been reported previously as a pathogenic variant nor as a benign variant, to our knowledge. The c.1593_1622del30insA variant causes a frameshift starting with codon Arginine 532, changes this amino acid to a Proline residue, and creates a premature Stop codon at position 7 of the new reading frame, denoted p.Arg532ProfsX7. This variant is predicted to cause loss of normal protein function either through protein truncation or nonsense-mediated mRNA decay. The c.1593_1622del30insA variant is not observed in large population cohorts (Lek et al., 2016; 1000 Genomes Consortium et al., 2015; Exome Variant Server). We interpret c.1593_1622del30insA as a likely pathogenic variant.

NM_005476.7(GNE):c.1500_1529delinsA (p.Arg501fs)

Gene: GNE (glucosamine (UDP-N-acetyl)-2-epimerase/N-acetylmannosamine kinase; minus strand). Cytogenetic location: 9p13.3.
Variant type: Indel.
Coding change: c.1500_1529delinsA on transcript NM_005476.7 (MANE Select); coding-DNA positions 1500 to 1529, TAGGACCCCCCTTTCTGACACTTTGCATCT replaced by A.
Protein change: p.Arg501fs; shifts the reading frame from arginine 501.
Molecular consequence: frameshift variant. On other transcripts: intron variant (1).
Genome position (GRCh38, 1-based): chr9:36,222,881-36,222,910, AGATGCAAAGTGTCAGAAAGGGGGGTCCTA replaced by T on the plus strand (TAGGACCCCCCTTTCTGACACTTTGCATCT replaced by A on the coding strand, the reverse complement: GNE is on the minus strand). VCF-style: chr9-36222881-AGATGCAAAGTGTCAGAAAGGGGGGTCCTA-T. GRCh37 (hg19) VCF-style: chr9-36222878-AGATGCAAAGTGTCAGAAAGGGGGGTCCTA-T.
Other names: c.1593_1622delinsA, p.Arg532fs (NM_001128227.3); c.1170_1199delinsA, p.Arg391fs (NM_001190384.3); c.1323_1352delinsA, p.Arg442fs (NM_001190388.2, NM_001374798.1); c.1347_1376delinsA, p.Arg450fs (NM_001374797.1); c.1411+463_1411+492delinsA (NM_001190383.3); short protein forms R442fs, R532fs, R391fs, R501fs, R450fs.
Identifiers: ClinVar variation 429564 (VCV000429564.1), dbSNP rs1554658924, ClinGen allele CA645369446.